The following is an entry in ClinVar:

ClinVar aggregate classification (germline): Likely pathogenic (1 of 4 stars; one submission).

Submission:

Labcorp Genetics (formerly Invitae), Labcorp
Classification: Likely pathogenic. Last evaluated: 2017-09-15. Review status: criteria provided, single submitter. Criteria: Invitae Variant Classification Sherloc (09022015). Collection method: clinical testing. Allele origin: germline.
Comment: This sequence change affects a donor splice site in intron 21 of the TRIOBP gene. It is expected to disrupt RNA splicing and likely results in an absent or disrupted protein product. This variant is not present in population databases (ExAC no frequency). This variant has not been reported in the literature in individuals with TRIOBP-related disease. Donor and acceptor splice site variants typically lead to a loss of protein function (PMID: 16199547), and loss-of-function variants in TRIOBP are known to be pathogenic (PMID: 16385457, 16385458, 20510926). In summary, the currently available evidence indicates that the variant is pathogenic, but additional data are needed to prove that conclusively. Therefore, this variant has been classified as Likely Pathogenic.

Literature cited by the submitters: PubMed 16199547; PubMed 16385457; PubMed 16385458; PubMed 20510926.

NM_001039141.3(TRIOBP):c.6849+1G>T

Gene: TRIOBP (TRIO and F-actin binding protein; plus strand). Cytogenetic location: 22q13.1.
Variant type: single nucleotide variant.
Coding change: c.6849+1G>T on transcript NM_001039141.3 (MANE Select); the canonical splice donor site of the intron after coding-DNA position 6849, G replaced by T.
Molecular consequence: splice donor variant.
Genome position (GRCh38, 1-based): chr22:37,769,376, G>T. VCF-style: chr22-37769376-G-T. GRCh37 (hg19) VCF-style: chr22-38165383-G-T.
Other names: c.1710+1G>T (NM_007032.5).
Identifiers: ClinVar variation 1066293 (VCV001066293.7), dbSNP rs2145882160, ClinGen allele CA411511357.
Genomic context (GRCh38, chr22:37,769,376, plus strand): 5'-TCGCAGGGCATGGGCAATGGCTGCGGGCGCAGCAACGAGCGGAGTTCCTGCGAGCTAGAG[G>T]TGAGTGTCCTCACTAGCACCAGGCAGCCCAGTGGTTCTCGGGGCCCGGGGCTATGGGGCA-3'